The following is an entry in ClinVar:

NM_020937.4(FANCM):c.4871G>T (p.Cys1624Phe)

Gene: FANCM (FA complementation group M; plus strand). Cytogenetic location: 14q21.2.
Variant type: single nucleotide variant.
Coding change: c.4871G>T on transcript NM_020937.4 (MANE Select); coding-DNA position 4871, G replaced by T.
Protein change: p.Cys1624Phe; replaces cysteine 1624 with phenylalanine.
Molecular consequence: missense variant.
Genome position (GRCh38, 1-based): chr14:45,188,893, G>T. VCF-style: chr14-45188893-G-T. GRCh37 (hg19) VCF-style: chr14-45658096-G-T.
Other names: c.4871G>T (NM_020937.3); c.4793G>T, p.Cys1598Phe (NM_001308133.2); short protein forms C1598F, C1624F.
Identifiers: ClinVar variation 1040462 (VCV001040462.12), dbSNP rs1457271846, ClinGen allele CA389611258.

ClinVar aggregate classification (germline): Uncertain significance. Review status: criteria provided, multiple submitters, no conflicts (2 of 4 stars). 4 submissions from 4 submitters: Uncertain significance (4). Last evaluated 2025-06-05.

Conditions:
Fanconi anemia (FA). Also called: Fanconi's anemia. Identifiers: Orphanet 84, MedGen C0015625, MeSH D005199, MONDO:0019391.
Inborn genetic diseases. Identifiers: MedGen C0950123, MeSH D030342.

Allele frequency attached by ClinVar (database versions not stated): gnomAD exomes below 0.00001; gnomAD 0.00001; TOPMed 0.00001.
gnomAD v4.1: 3 of 1,613,670 alleles (0.00019%); highest among the groups gnomAD compares: Non-Finnish European, 0.00025%; no homozygotes.

Submissions (4):

Quest Diagnostics Nichols Institute San Juan Capistrano
Classification: Uncertain significance. Last evaluated: 2025-06-05. Review status: criteria provided, single submitter. Criteria: Quest Diagnostics criteria. Collection method: clinical testing. Allele origin: unknown.
Comment: The FANCM c.4871G>T (p.Cys1624Phe) variant has not been reported in individuals with FANCM-related conditions in the published literature. The frequency of this variant in the general population (Genome Aggregation Database) is uninformative in the assessment of its pathogenicity. Analysis of this variant using bioinformatics tools for the prediction of the effect of amino acid changes on protein structure and function yielded predictions that this variant is benign. Based on the available information, we are unable to determine the clinical significance of this variant.

Ambry Genetics
Classification: Uncertain significance for Inborn genetic diseases. Last evaluated: 2024-11-18. Review status: criteria provided, single submitter. Criteria: Ambry Variant Classification Scheme 2023. Collection method: clinical testing. Allele origin: germline.
Comment: The p.C1624F variant (also known as c.4871G>T), located in coding exon 20 of the FANCM gene, results from a G to T substitution at nucleotide position 4871. The cysteine at codon 1624 is replaced by phenylalanine, an amino acid with highly dissimilar properties. This amino acid position is conserved. In addition, this alteration is predicted to be tolerated by in silico analysis. Based on the available evidence, the clinical significance of this variant remains unclear.

Labcorp Genetics (formerly Invitae), Labcorp
Classification: Uncertain significance for Fanconi anemia. Last evaluated: 2024-05-18. Review status: criteria provided, single submitter. Criteria: Invitae Variant Classification Sherloc (09022015). Collection method: clinical testing. Allele origin: germline.
Comment: This sequence change replaces cysteine, which is neutral and slightly polar, with phenylalanine, which is neutral and non-polar, at codon 1624 of the FANCM protein (p.Cys1624Phe). This variant is present in population databases (no rsID available, gnomAD 0.0009%). This variant has not been reported in the literature in individuals affected with FANCM-related conditions. ClinVar contains an entry for this variant (Variation ID: 1040462). Algorithms developed to predict the effect of missense changes on protein structure and function output the following: SIFT: "Not Available"; PolyPhen-2: "Benign"; Align-GVGD: "Not Available". The phenylalanine amino acid residue is found in multiple mammalian species, which suggests that this missense change does not adversely affect protein function. In summary, the available evidence is currently insufficient to determine the role of this variant in disease. Therefore, it has been classified as a Variant of Uncertain Significance.

GeneDx
Classification: Uncertain significance. Last evaluated: 2020-07-28. Review status: criteria provided, single submitter. Criteria: GeneDx Variant Classification Process June 2021. Collection method: clinical testing. Allele origin: germline. Affected: yes.
Comment: Not observed at a significant frequency in large population cohorts (Lek 2016); In silico analysis supports that this missense variant has a deleterious effect on protein structure/function; Has not been previously published as pathogenic or benign to our knowledge